The following is an entry in ClinVar:

NM_006208.3(ENPP1):c.250G>A (p.Val84Ile)

Gene: ENPP1 (ectonucleotide pyrophosphatase/phosphodiesterase 1; plus strand). Cytogenetic location: 6q23.2.
Variant type: single nucleotide variant.
Coding change: c.250G>A on transcript NM_006208.3 (MANE Select); coding-DNA position 250, G replaced by A.
Protein change: p.Val84Ile; replaces valine 84 with isoleucine.
Molecular consequence: missense variant.
Genome position (GRCh38, 1-based): chr6:131,847,785, G>A. VCF-style: chr6-131847785-G-A. GRCh37 (hg19) VCF-style: chr6-132168925-G-A.
Other names: short protein forms V84I.
Identifiers: ClinVar variation 2771467 (VCV002771467.3), dbSNP rs759825411, ClinGen allele CA4001818.

ClinVar aggregate classification (germline): Uncertain significance (1 of 4 stars; one submission).

Allele frequency attached by ClinVar (database versions not stated): gnomAD exomes below 0.00001; ExAC 0.00001.
gnomAD v4.1: 1 of 1,608,400 alleles (0.000062%); highest among the groups gnomAD compares: Non-Finnish European, 0.000085%; no homozygotes.

Submission:

Labcorp Genetics (formerly Invitae), Labcorp
Classification: Uncertain significance. Last evaluated: 2023-11-27. Review status: criteria provided, single submitter. Criteria: Invitae Variant Classification Sherloc (09022015). Collection method: clinical testing. Allele origin: germline.
Comment: This sequence change replaces valine, which is neutral and non-polar, with isoleucine, which is neutral and non-polar, at codon 84 of the ENPP1 protein (p.Val84Ile). This variant is present in population databases (rs759825411, gnomAD 0.0009%). This variant has not been reported in the literature in individuals affected with ENPP1-related conditions. An algorithm developed to predict the effect of missense changes on protein structure and function (PolyPhen-2) suggests that this variant is likely to be disruptive. In summary, the available evidence is currently insufficient to determine the role of this variant in disease. Therefore, it has been classified as a Variant of Uncertain Significance.